The following is an entry in ClinVar:

NM_000053.4(ATP7B):c.3181G>C (p.Gly1061Arg)

Gene: ATP7B (ATPase copper transporting beta; minus strand). Cytogenetic location: 13q14.3.
Variant type: single nucleotide variant.
Coding change: c.3181G>C on transcript NM_000053.4 (MANE Select); coding-DNA position 3181, G replaced by C.
Protein change: p.Gly1061Arg; replaces glycine 1061 with arginine.
Molecular consequence: missense variant. On other transcripts: intron variant (1).
Genome position (GRCh38, 1-based): chr13:51,944,171, C>G on the plus strand (G>C on the coding strand, the complement: ATP7B is on the minus strand). VCF-style: chr13-51944171-C-G. GRCh37 (hg19) VCF-style: chr13-52518307-C-G.
Other names: c.2560G>C, p.Gly854Arg (NM_001005918.3); c.2848G>C, p.Gly950Arg (NM_001243182.2); c.2947G>C, p.Gly983Arg (NM_001330578.2, NM_001406527.1, NM_001406528.1 and 1 more transcripts); c.2929G>C, p.Gly977Arg (NM_001330579.2, NM_001406531.1, NM_001406532.1); c.3181G>C, p.Gly1061Arg (NM_001406511.1, NM_001406512.1, NM_001406526.1); c.3175G>C, p.Gly1059Arg (NM_001406513.1); c.3148G>C, p.Gly1050Arg (NM_001406514.1); c.3127G>C, p.Gly1043Arg (NM_001406515.1, NM_001406516.1); and 19 more; short protein forms G1002R, G1013R, G1016R, G1029R, G1043R, G1050R, G1059R, G1061R.
Identifiers: ClinVar variation 3339113 (VCV003339113.1).

ClinVar aggregate classification (germline): Uncertain significance (1 of 4 stars; one submission).

Submission:

Women's Health and Genetics/Laboratory Corporation of America, LabCorp
Classification: Uncertain significance. Last evaluated: 2024-07-05. Review status: criteria provided, single submitter. Criteria: LabCorp Variant Classification Summary - May 2015. Collection method: clinical testing. Allele origin: germline.
Comment: Variant summary: ATP7B c.3181G>C (p.Gly1061Arg) results in a non-conservative amino acid change located in the P-type ATPase, haloacid dehalogenase domain (IPR044492) of the encoded protein sequence. Five of five in-silico tools predict a damaging effect of the variant on protein function. The variant was absent in 249328 control chromosomes. c.3181G>C has been reported in the literature in individuals affected with Wilson Disease (e.g. Osterode_2019, Chen_2019). These data do not allow any conclusion about variant significance. To our knowledge, no experimental evidence demonstrating an impact on protein function has been reported. Another missense variant affecting this amino acid (p.Gly1061Glu) has been determined to be pathogenic (ClinVar Variation ID: 312383), supporting the critical relevance of codon 1061 to ATP7B protein function. The following publications have been ascertained in the context of this evaluation (PMID: 30655162, 30466937). No submitters have cited clinical-significance assessments for this variant to ClinVar. Based on the evidence outlined above, the variant was classified as VUS-possibly pathogenic.

Literature cited by the submitters: PubMed 30655162; PubMed 30466937.